The following is an entry in ClinVar:

ClinVar aggregate classification (germline): Likely benign. Review status: criteria provided, multiple submitters, no conflicts (2 of 4 stars). 4 submissions from 4 submitters: Likely benign (4). Last evaluated 2025-07-22.

Conditions:
CEP164-related disorder. Also called: CEP164-related condition.
Nephronophthisis 15 (NPHP15). Identifiers: Orphanet 3156, MedGen C3541853, MONDO:0013917, OMIM 614845.

Allele frequency attached by ClinVar (database versions not stated): gnomAD 0.00001; ExAC 0.00003; gnomAD exomes 0.00004; TOPMed 0.00004.
gnomAD v4.1: 32 of 1,608,092 alleles (0.002%); highest among the groups gnomAD compares: Middle Eastern, 0.017%; no homozygotes.

Submissions (4):

Labcorp Genetics (formerly Invitae), Labcorp
Classification: Likely benign for Nephronophthisis 15. Last evaluated: 2025-07-22. Review status: criteria provided, single submitter. Criteria: Invitae Variant Classification Sherloc (09022015). Collection method: clinical testing. Allele origin: germline.

PreventionGenetics, part of Exact Sciences
Classification: Likely benign for CEP164-related condition. Last evaluated: 2025-03-26. Review status: criteria provided, single submitter. Criteria: ACMG Guidelines, 2015. Collection method: clinical testing. Allele origin: germline.
Comment: This variant is classified as likely benign based on ACMG/AMP sequence variant interpretation guidelines (Richards et al. 2015 PMID: 25741868, with internal and published modifications).

Blueprint Genetics
Classification: Likely benign. Last evaluated: 2024-11-01. Review status: criteria provided, single submitter. Criteria: ACMG Guidelines, 2015. Collection method: clinical testing. Allele origin: germline.

Fulgent Genetics
Classification: Likely benign for Nephronophthisis 15. Last evaluated: 2021-08-23. Review status: criteria provided, single submitter. Criteria: ACMG Guidelines, 2015. Collection method: clinical testing. Allele origin: unknown.

NM_014956.5(CEP164):c.1143C>T (p.Asp381=)

Gene: CEP164 (centrosomal protein 164; plus strand). Cytogenetic location: 11q23.3.
Variant type: single nucleotide variant.
Coding change: c.1143C>T on transcript NM_014956.5 (MANE Select); coding-DNA position 1143, C replaced by T.
Protein change: p.Asp381=; no amino-acid change (aspartic acid 381 retained).
Molecular consequence: synonymous variant.
Genome position (GRCh38, 1-based): chr11:117,371,457, C>T. VCF-style: chr11-117371457-C-T. GRCh37 (hg19) VCF-style: chr11-117242173-C-T.
Other names: c.1143C>T, p.Asp381= (NM_001271933.2).
Identifiers: ClinVar variation 766830 (VCV000766830.11), dbSNP rs375647094, ClinGen allele CA6294639.